The following is an entry in ClinVar:

ClinVar aggregate classification (germline): Uncertain significance (1 of 4 stars; one submission).

Conditions:
Gnathodiaphyseal dysplasia (GDD). Also called: GNATHODIAPHYSEAL SCLEROSIS; OSTEOGENESIS IMPERFECTA WITH UNUSUAL SKELETAL LESIONS. Identifiers: Orphanet 53697, MedGen C1833736, MONDO:0008151, OMIM 166260.
Autosomal recessive limb-girdle muscular dystrophy type 2L (LGMDR12). Also called: Limb-girdle muscular dystrophy, type 2L; MUSCULAR DYSTROPHY, LIMB-GIRDLE, AUTOSOMAL RECESSIVE 12; Limb-Girdle Muscular Dystrophy R12 Anoctamin-5-Related (LGMD-R12). Identifiers: Orphanet 206549, MedGen C1969785, MONDO:0012652, OMIM 611307.

Submission:

Labcorp Genetics (formerly Invitae), Labcorp
Classification: Uncertain significance for Autosomal recessive limb-girdle muscular dystrophy type 2L; Gnathodiaphyseal dysplasia. Last evaluated: 2022-02-24. Review status: criteria provided, single submitter. Criteria: Invitae Variant Classification Sherloc (09022015). Collection method: clinical testing. Allele origin: germline.
Comment: This variant has not been reported in the literature in individuals affected with ANO5-related conditions. Experimental studies and prediction algorithms are not available or were not evaluated, and the functional significance of this variant is currently unknown. In summary, the available evidence is currently insufficient to determine the role of this variant in disease. Therefore, it has been classified as a Variant of Uncertain Significance. This sequence change creates a premature translational stop signal (p.Asn891Lysfs*3) in the ANO5 gene. While this is not anticipated to result in nonsense mediated decay, it is expected to disrupt the last 23 amino acid(s) of the ANO5 protein. This variant is not present in population databases (gnomAD no frequency).

NM_213599.3(ANO5):c.2672dup (p.Asn891fs)

Gene: ANO5 (anoctamin 5; plus strand). Cytogenetic location: 11p14.3.
Variant type: Duplication.
Coding change: c.2672dup on transcript NM_213599.3 (MANE Select); coding-DNA position 2672, one base duplicated (A; older notation c.2672dupA).
Protein change: p.Asn891fs; shifts the reading frame from asparagine 891.
Molecular consequence: frameshift variant.
Genome position (GRCh38, 1-based): chr11:22,279,695, A duplicated; the last of 2 consecutive A bases (chr11:22,279,694-22,279,695); duplicating either gives the same sequence. VCF-style (leftmost placement, unchanged base first): chr11-22279693-T-TA. GRCh37 (hg19) VCF-style: chr11-22301239-T-TA.
Other names: c.2669dup, p.Asn890fs (NM_001142649.2); short protein forms N890fs, N891fs.
Identifiers: ClinVar variation 1483979 (VCV001483979.6), dbSNP rs2133811319, ClinGen allele CA2573146266.